The following is an entry in ClinVar:

NM_144701.3(IL23R):c.1603T>G (p.Ser535Ala)

Gene: IL23R (interleukin 23 receptor; plus strand). Cytogenetic location: 1p31.3.
Variant type: single nucleotide variant.
Coding change: c.1603T>G on transcript NM_144701.3 (MANE Select); coding-DNA position 1603, T replaced by G.
Protein change: p.Ser535Ala; replaces serine 535 with alanine.
Molecular consequence: missense variant.
Genome position (GRCh38, 1-based): chr1:67,258,841, T>G. VCF-style: chr1-67258841-T-G. GRCh37 (hg19) VCF-style: chr1-67724524-T-G.
Other names: short protein forms S535A.
Identifiers: ClinVar variation 4738650 (VCV004738650.1).

ClinVar aggregate classification (germline): Uncertain significance (1 of 4 stars; one submission).

gnomAD v4.1: 2 of 1,613,352 alleles (0.00012%); highest among the groups gnomAD compares: African/African-American, 0.0027%; no homozygotes.

Submission:

Labcorp Genetics (formerly Invitae), Labcorp
Classification: Uncertain significance. Last evaluated: 2025-06-19. Review status: criteria provided, single submitter. Criteria: Invitae Variant Classification Sherloc (09022015). Collection method: clinical testing. Allele origin: germline.
Comment: This sequence change replaces serine, which is neutral and polar, with alanine, which is neutral and non-polar, at codon 535 of the IL23R protein (p.Ser535Ala). This variant is not present in population databases (gnomAD no frequency). This variant has not been reported in the literature in individuals affected with IL23R-related conditions. An algorithm developed to predict the effect of missense changes on protein structure and function outputs the following: PolyPhen-2: "Possibly Damaging". The alanine amino acid residue is found in multiple mammalian species, which suggests that this missense change does not adversely affect protein function. In summary, the available evidence is currently insufficient to determine the role of this variant in disease. Therefore, it has been classified as a Variant of Uncertain Significance.